The following is an entry in ClinVar:

ClinVar aggregate classification (germline): Uncertain significance (1 of 4 stars; one submission).

gnomAD v4.1: 1 of 1,613,940 alleles (0.000062%); highest among the groups gnomAD compares: Non-Finnish European, 0.000085%; no homozygotes.

Submission:

CeGaT Center for Human Genetics Tuebingen
Classification: Uncertain significance. Last evaluated: 2025-07-01. Review status: criteria provided, single submitter. Criteria: CeGaT Center For Human Genetics Tuebingen Variant Classification Criteria Version 2. Collection method: clinical testing. Allele origin: germline. Affected: yes. Observed: 1 variant allele.
Comment: MADD: PM2, BP4

NM_001376571.1(MADD):c.52G>A (p.Val18Ile)

Gene: MADD (MAP kinase activating death domain; plus strand). Cytogenetic location: 11p11.2.
Variant type: single nucleotide variant.
Coding change: c.52G>A on transcript NM_001376571.1 (MANE Select); coding-DNA position 52, G replaced by A.
Protein change: p.Val18Ile; replaces valine 18 with isoleucine.
Molecular consequence: missense variant. On other transcripts: intron variant (13), non-coding transcript variant (7).
Genome position (GRCh38, 1-based): chr11:47,273,966, G>A. VCF-style: chr11-47273966-G-A. GRCh37 (hg19) VCF-style: chr11-47295517-G-A.
Other names: c.-142-597G>A (NM_001376626.1, NM_001376657.1, NM_001376627.1 and 9 more transcripts); c.-7-1933G>A (NM_001376663.1); c.52G>A, p.Val18Ile (NM_001135943.2, NM_001135944.2, NM_001376572.1 and 80 more transcripts); short protein forms V18I.
Identifiers: ClinVar variation 4084294 (VCV004084294.8).
Genomic context (GRCh38, chr11:47,273,966, plus strand): 5'-ATTGGAACCATGGTGCAAAAGAAGAAGTTCTGTCCTCGGTTACTTGACTATCTAGTGATC[G>A]TAGGGGCCAGGTAACCAAGAAGAGATTGACTTTTGTCTTAATATCTGGGATAGCCATAAA-3'
Protein context (NP_001363500.1, residues 8-28): CPRLLDYLVI[Val18Ile]GARHPSSDSV